The following is an entry in ClinVar:

ClinVar aggregate classification (germline): Likely benign (1 of 4 stars; one submission).

gnomAD v4.1: 168 of 1,580,788 alleles (0.011%); highest among the groups gnomAD compares: African/African-American, 0.13%; no homozygotes.

Submission:

Women's Health and Genetics/Laboratory Corporation of America, LabCorp
Classification: Likely benign. Last evaluated: 2026-01-19. Review status: criteria provided, single submitter. Criteria: LabCorp Variant Classification Summary - May 2015. Collection method: clinical testing. Allele origin: germline.
Comment: Variant summary: NOS3 c.119G>A (p.Arg40Gln) results in a conservative amino acid change in the encoded protein sequence. Algorithms developed to predict the effect of missense changes on protein structure and function all suggest that this variant is likely to be tolerated. The variant allele was found at a frequency of 0.00015 in 186048 control chromosomes, predominantly at a frequency of 0.0011 within the African or African-American subpopulation in the gnomAD database. The observed variant frequency within African or African-American control individuals in the gnomAD database exceeds the estimated maximal expected allele frequency for disease-causing variants in NOS3. To our knowledge, no occurrence of c.119G>A in individuals affected with NOS3-related conditions and no experimental evidence demonstrating its impact on protein function have been reported. No submitters have cited clinical-significance assessments for this variant to ClinVar. Based on the evidence outlined above, the variant was classified as likely benign.

NM_000603.5(NOS3):c.119G>A (p.Arg40Gln)

Genes: NOS3 (nitric oxide synthase 3; plus strand), LOC110973015 (NOS3 5' regulatory region; plus strand). Cytogenetic location: 7q36.1.
Variant type: single nucleotide variant.
Coding change: c.119G>A on transcript NM_000603.5 (MANE Select); coding-DNA position 119, G replaced by A.
Protein change: p.Arg40Gln; replaces arginine 40 with glutamine.
Molecular consequence: missense variant.
Genome position (GRCh38, 1-based): chr7:150,993,922, G>A. VCF-style: chr7-150993922-G-A. GRCh37 (hg19) VCF-style: chr7-150691010-G-A.
Other names: c.119G>A, p.Arg40Gln (NM_001160109.2, NM_001160110.1, NM_001160111.1); short protein forms R40Q.
Identifiers: ClinVar variation 4689268 (VCV004689268.1).
Genomic context (GRCh38, chr7:150,993,922, plus strand): 5'-GGCTGGGCCTTGGGCTGTGCGGCAAGCAGGGCCCAGCCACCCCGGCCCCTGAGCCCAGCC[G>A]GGCCCCAGCATCCCTACTCCCACCAGCGCCAGAACACAGGTAAGGGCCAGGCAGCTAGGA-3'
Protein context (NP_000594.2, residues 30-50): GPATPAPEPS[Arg40Gln]APASLLPPAP